The following is an entry in ClinVar:

ClinVar aggregate classification (germline): Uncertain significance (1 of 4 stars; one submission).

Allele frequency attached by ClinVar (database versions not stated): ExAC 0.00002.
gnomAD v4.1: 9 of 1,614,174 alleles (0.00056%); highest among the groups gnomAD compares: East Asian, 0.0022%; no homozygotes.

Submission:

Labcorp Genetics (formerly Invitae), Labcorp
Classification: Uncertain significance. Last evaluated: 2021-02-18. Review status: criteria provided, single submitter. Criteria: Invitae Variant Classification Sherloc (09022015). Collection method: clinical testing. Allele origin: germline.
Comment: In summary, the available evidence is currently insufficient to determine the role of this variant in disease. Therefore, it has been classified as a Variant of Uncertain Significance. Algorithms developed to predict the effect of missense changes on protein structure and function are either unavailable or do not agree on the potential impact of this missense change (SIFT: "Deleterious"; PolyPhen-2: "Probably Damaging"; Align-GVGD: "Class C0"). This variant has not been reported in the literature in individuals with CLCN6-related conditions. This variant is present in population databases (rs574128207, ExAC 0.003%). This sequence change replaces glycine with alanine at codon 397 of the CLCN6 protein (p.Gly397Ala). The glycine residue is highly conserved and there is a small physicochemical difference between glycine and alanine.

NM_001286.5(CLCN6):c.1190G>C (p.Gly397Ala)

Gene: CLCN6 (chloride voltage-gated channel 6; plus strand). Cytogenetic location: 1p36.22.
Variant type: single nucleotide variant.
Coding change: c.1190G>C on transcript NM_001286.5 (MANE Select); coding-DNA position 1190, G replaced by C.
Protein change: p.Gly397Ala; replaces glycine 397 with alanine.
Molecular consequence: missense variant. On other transcripts: non-coding transcript variant (1).
Genome position (GRCh38, 1-based): chr1:11,829,264, G>C. VCF-style: chr1-11829264-G-C. GRCh37 (hg19) VCF-style: chr1-11889321-G-C.
Other names: c.1124G>C, p.Gly375Ala (NM_001256959.2); short protein forms G375A, G397A.
Identifiers: ClinVar variation 1480250 (VCV001480250.8), dbSNP rs574128207, ClinGen allele CA596385.
Genomic context (GRCh38, chr1:11,829,264, plus strand): 5'-AGAGCCTCCTTGTGTCTCTGGTAACCACCGTGGTGGTGTTTGTGGCCTCGATGGTGTTAG[G>C]AGAATGCCGACAGATGTCCTCTTCGAGTCAAATCGGTAATGACTCATTCCAGCTCCAGGT-3'
Protein context (NP_001277.2, residues 387-407): VVVFVASMVL[Gly397Ala]ECRQMSSSSQ